The following is an entry in ClinVar:

ClinVar aggregate classification (germline): Uncertain significance (1 of 4 stars; one submission).

Conditions:
Fanconi anemia complementation group J. Also called: BRIP1-Related Fanconi Anemia. Identifiers: Orphanet 84, MedGen C1836860, MONDO:0012187, OMIM 609054.
Familial cancer of breast. Also called: BREAST CANCER, FAMILIAL; Hereditary breast cancer; hereditary breast carcinoma. Identifiers: Orphanet 227535, MedGen C0346153, MONDO:0016419, OMIM 114480. Disease mechanism: loss of function.

Submission:

Labcorp Genetics (formerly Invitae), Labcorp
Classification: Uncertain significance for Familial cancer of breast; Fanconi anemia complementation group J. Last evaluated: 2023-04-14. Review status: criteria provided, single submitter. Criteria: Invitae Variant Classification Sherloc (09022015). Collection method: clinical testing. Allele origin: germline.
Comment: In summary, the available evidence is currently insufficient to determine the role of this variant in disease. Therefore, it has been classified as a Variant of Uncertain Significance. Advanced modeling of protein sequence and biophysical properties (such as structural, functional, and spatial information, amino acid conservation, physicochemical variation, residue mobility, and thermodynamic stability) performed at Invitae indicates that this missense variant is expected to disrupt BRIP1 protein function. This variant has not been reported in the literature in individuals affected with BRIP1-related conditions. This variant is not present in population databases (gnomAD no frequency). This sequence change replaces phenylalanine, which is neutral and non-polar, with isoleucine, which is neutral and non-polar, at codon 154 of the BRIP1 protein (p.Phe154Ile).

NM_032043.3(BRIP1):c.460T>A (p.Phe154Ile)

Gene: BRIP1 (BRCA1 interacting DNA helicase 1; minus strand). Cytogenetic location: 17q23.2.
Variant type: single nucleotide variant.
Coding change: c.460T>A on transcript NM_032043.3 (MANE Select); coding-DNA position 460, T replaced by A.
Protein change: p.Phe154Ile; replaces phenylalanine 154 with isoleucine.
Molecular consequence: missense variant.
Genome position (GRCh38, 1-based): chr17:61,849,176, A>T on the plus strand (T>A on the coding strand, the complement: BRIP1 is on the minus strand). VCF-style: chr17-61849176-A-T. GRCh37 (hg19) VCF-style: chr17-59926537-A-T.
Other names: short protein forms F154I.
Identifiers: ClinVar variation 2946655 (VCV002946655.3), dbSNP rs2145763233, ClinGen allele CA400484445.
Genomic context (GRCh38, chr17:61,849,176, plus strand): 5'-AAACTCTGTTTACCTGCTGTGTAGTTTCTAAGGGTCGAATTCTTTTCTTCTCTACTTGAA[A>T]ATCATCATTTTCATCTCTGTATATGGATGCCTGTTTCTTAGCAGATAACTTTGCAGCCAG-3'
Protein context (NP_114432.2, residues 144-164): ASIYRDENDD[Phe154Ile]QVEKKRIRPL